The following is an entry in ClinVar:

ClinVar aggregate classification (germline): Uncertain significance. Review status: criteria provided, multiple submitters, no conflicts (2 of 4 stars). 2 submissions from 2 submitters: Uncertain significance (2). Last evaluated 2021-11-24.

Conditions:
Hereditary cancer-predisposing syndrome. Also called: Hereditary neoplastic syndrome; Tumor predisposition; Neoplastic Syndromes, Hereditary; Hereditary Cancer Syndrome. Identifiers: Orphanet 140162, MedGen C0027672, MeSH D009386, MONDO:0015356.

Submissions (2):

Ambry Genetics
Classification: Uncertain significance for Hereditary cancer-predisposing syndrome. Last evaluated: 2021-11-24. Review status: criteria provided, single submitter. Criteria: Ambry Variant Classification Scheme 2023. Collection method: clinical testing. Allele origin: germline.
Comment: The p.R33W variant (also known as c.97A>T), located in coding exon 1 of the NTHL1 gene, results from an A to T substitution at nucleotide position 97. The arginine at codon 33 is replaced by tryptophan, an amino acid with dissimilar properties. This amino acid position is conserved. In addition, this alteration is predicted to be tolerated by in silico analysis. Since supporting evidence is limited at this time, the clinical significance of this alteration remains unclear.

Labcorp Genetics (formerly Invitae), Labcorp
Classification: Uncertain significance. Last evaluated: 2021-06-02. Review status: criteria provided, single submitter. Criteria: Invitae Variant Classification Sherloc (09022015). Collection method: clinical testing. Allele origin: germline.
Comment: In summary, the available evidence is currently insufficient to determine the role of this variant in disease. Therefore, it has been classified as a Variant of Uncertain Significance. Algorithms developed to predict the effect of missense changes on protein structure and function output the following: SIFT: "Deleterious"; PolyPhen-2: "Benign"; Align-GVGD: "Class C0". The tryptophan amino acid residue is found in multiple mammalian species, suggesting that this missense change does not adversely affect protein function. These predictions have not been confirmed by published functional studies and their clinical significance is uncertain. This variant has not been reported in the literature in individuals with NTHL1-related disease. ClinVar contains an entry for this variant (Variation ID: 654738). This variant is not present in population databases (ExAC no frequency). This sequence change replaces arginine with tryptophan at codon 33 of the NTHL1 protein (p.Arg33Trp). The arginine residue is weakly conserved and there is a moderate physicochemical difference between arginine and tryptophan.

NM_002528.7(NTHL1):c.73A>T (p.Arg25Trp)

Gene: NTHL1 (nth like DNA glycosylase 1; minus strand). Cytogenetic location: 16p13.3.
Variant type: single nucleotide variant.
Coding change: c.73A>T on transcript NM_002528.7 (MANE Select); coding-DNA position 73, A replaced by T.
Protein change: p.Arg25Trp; replaces arginine 25 with tryptophan.
Molecular consequence: missense variant. On other transcripts: 5 prime UTR variant (1).
Genome position (GRCh38, 1-based): chr16:2,047,751, T>A on the plus strand (A>T on the coding strand, the complement: NTHL1 is on the minus strand). VCF-style: chr16-2047751-T-A. GRCh37 (hg19) VCF-style: chr16-2097752-T-A.
Other names: c.73A>T, p.Arg25Trp (LRG_1366t1, NM_001318193.2); c.-106A>T (NM_001318194.2); short protein forms R25W.
Identifiers: ClinVar variation 654738 (VCV000654738.9), dbSNP rs369039003, ClinGen allele CA394298379.